The following is an entry in ClinVar:

NM_000264.5(PTCH1):c.*2070C>G

Gene: PTCH1 (patched 1; minus strand). Cytogenetic location: 9q22.32.
Variant type: single nucleotide variant.
Coding change: c.*2070C>G on transcript NM_000264.5 (MANE Select); 2070 bases downstream of the stop codon, C replaced by G.
Molecular consequence: 3 prime UTR variant. On other transcripts: non-coding transcript variant (1).
Genome position (GRCh38, 1-based): chr9:95,444,323, G>C on the plus strand (C>G on the coding strand, the complement: PTCH1 is on the minus strand). VCF-style: chr9-95444323-G-C. GRCh37 (hg19) VCF-style: chr9-98206605-G-C.
Other names: c.*2070C>G (NM_001083602.3, NM_001083603.3, NM_001083604.3 and 4 more transcripts).
Identifiers: ClinVar variation 367631 (VCV000367631.5), dbSNP rs142942544, ClinGen allele CA10630634.

ClinVar aggregate classification (germline): Benign. Review status: criteria provided, single submitter (1 of 4 stars). 2 submissions from 1 submitter: Benign (2). Last evaluated 2018-01-12.

Conditions:
Holoprosencephaly 7 (HPE7). Identifiers: Orphanet 2162, MedGen C1835820, MONDO:0012562, OMIM 610828.
Gorlin syndrome. Also called: Basal cell nevus syndrome; Nevoid Basal Cell Carcinoma Syndrome. Identifiers: Orphanet 377, MedGen C0004779, MONDO:0007187.

Allele frequency attached by ClinVar (database versions not stated): 1000 Genomes Project 0.00839; 1000 Genomes Project 30x 0.00906; gnomAD 0.01132 and 0.01241; TOPMed 0.01284.

Submissions (2):

Illumina Laboratory Services, Illumina
Classification: Benign for Basal cell nevus syndrome 1. Last evaluated: 2018-01-12. Review status: criteria provided, single submitter. Criteria: ICSL Variant Classification Criteria 13 December 2019. Collection method: clinical testing. Allele origin: germline.
Comment: This variant was observed in the ICSL laboratory as part of a predisposition screen in an ostensibly healthy population. It had not been previously curated by ICSL or reported in the Human Gene Mutation Database (HGMD: prior to June 1st, 2018), and was therefore a candidate for classification through an automated scoring system. Utilizing variant allele frequency, disease prevalence and penetrance estimates, and inheritance mode, an automated score was calculated to assess if this variant is too frequent to cause the disease. Based on the score and internal cut-off values, a variant classified as benign is not then subjected to further curation. The score for this variant resulted in a classification of benign for this disease.

Illumina Laboratory Services, Illumina
Classification: Benign for Holoprosencephaly 7. Last evaluated: 2018-01-12. Review status: criteria provided, single submitter. Criteria: ICSL Variant Classification Criteria 13 December 2019. Collection method: clinical testing. Allele origin: germline.
Comment: the same text as in the submission from Illumina Laboratory Services, Illumina above.